The following is an entry in ClinVar:

NM_000489.6(ATRX):c.1918G>A (p.Val640Ile)

Gene: ATRX (ATRX chromatin remodeler; minus strand). Cytogenetic location: Xq21.1.
Variant type: single nucleotide variant.
Coding change: c.1918G>A on transcript NM_000489.6 (MANE Select); coding-DNA position 1918, G replaced by A.
Protein change: p.Val640Ile; replaces valine 640 with isoleucine.
Molecular consequence: missense variant.
Genome position (GRCh38, 1-based): chrX:77,683,338, C>T on the plus strand (G>A on the coding strand, the complement: ATRX is on the minus strand). VCF-style: chrX-77683338-C-T. GRCh37 (hg19) VCF-style: chrX-76938830-C-T.
Other names: c.1804G>A, p.Val602Ile (NM_138270.5); short protein forms V640I, V602I.
Identifiers: ClinVar variation 3598431 (VCV003598431.3).
Genomic context (GRCh38, chrX:77,683,338, plus strand): 5'-TTACACGTGGGGATCTTCGAAGATCAGATTCCTCTAAAAGTAATGAAACTTCATTTTCAA[C>T]CAAATGCTCATTATCACTGTTTTCCTGTCCAAGTCCACATTTCTCTAACTTGGGGTTCAG-3'
Protein context (NP_000480.3, residues 630-650): GQENSDNEHL[Val640Ile]ENEVSLLLEE

ClinVar aggregate classification (germline): Uncertain significance. Review status: criteria provided, multiple submitters, no conflicts (2 of 4 stars). 2 submissions from 2 submitters: Uncertain significance (2). Last evaluated 2024-06-05.

Conditions:
Alpha thalassemia-X-linked intellectual disability syndrome (ATRX). Also called: ALPHA-THALASSEMIA/MENTAL RETARDATION SYNDROME, X-LINKED; ATR, NONDELETION TYPE; ATR-X syndrome; Alpha thalassemia mental retardation syndrome, nondeletion type, X-linked; XLMR hypotonic face syndrome; X-linked alpha-thalassemia-mental retardation syndrome. Identifiers: Orphanet 847, MedGen C1845055, MONDO:0010519, OMIM 301040.
Intellectual disability-hypotonic facies syndrome, X-linked, 1 (MRXHF1). Also called: CHUDLEY-LOWRY SYNDROME; Chudley syndrome 1; Chudley-Lowry-Hoar syndrome; Carpenter-Waziri syndrome; XLMR-HYPOTONIC FACIES SYNDROME; X-linked intellectual disability-hypotonic face syndrome. Identifiers: Orphanet 73220, Orphanet 93970, Orphanet 93971, Orphanet 93972, Orphanet 93973, Orphanet 93974, Orphanet 93975, MedGen C4759781, MONDO:0010663, OMIM 309580.
Acquired hemoglobin H disease (ATMDS). Also called: Alpha-thalassemia myelodysplasia syndrome; Alpha-thalassemia myelodysplasia syndrome, somatic; Alpha-thalassemia-myelodysplastic syndrome. Identifiers: Orphanet 231401, MedGen C0585216, MONDO:0010328, OMIM 300448.

gnomAD v4.1: 1 of 1,211,223 alleles (0.000083%); highest among the groups gnomAD compares: East Asian, 0.003%; no homozygotes.

Submissions (2):

Labcorp Genetics (formerly Invitae), Labcorp
Classification: Uncertain significance for Alpha thalassemia-X-linked intellectual disability syndrome. Last evaluated: 2024-06-05. Review status: criteria provided, single submitter. Criteria: Invitae Variant Classification Sherloc (09022015). Collection method: clinical testing. Allele origin: germline.
Comment: This sequence change replaces valine, which is neutral and non-polar, with isoleucine, which is neutral and non-polar, at codon 640 of the ATRX protein (p.Val640Ile). This variant is not present in population databases (gnomAD no frequency). This variant has not been reported in the literature in individuals affected with ATRX-related conditions. Advanced modeling of protein sequence and biophysical properties (such as structural, functional, and spatial information, amino acid conservation, physicochemical variation, residue mobility, and thermodynamic stability) performed at Invitae indicates that this missense variant is not expected to disrupt ATRX protein function with a negative predictive value of 95%. In summary, the available evidence is currently insufficient to determine the role of this variant in disease. Therefore, it has been classified as a Variant of Uncertain Significance.

Fulgent Genetics
Classification: Uncertain significance for Acquired hemoglobin H disease; Alpha thalassemia-X-linked intellectual disability syndrome; Intellectual disability-hypotonic facies syndrome, X-linked, 1. Last evaluated: 2024-03-14. Review status: criteria provided, single submitter. Criteria: ACMG Guidelines, 2015. Collection method: clinical testing. Allele origin: germline.